The following is an entry in ClinVar:

NM_001282531.3(ADNP):c.119A>G (p.Gln40Arg)

Gene: ADNP (activity dependent neuroprotector homeobox; minus strand). Cytogenetic location: 20q13.13.
Variant type: single nucleotide variant.
Coding change: c.119A>G on transcript NM_001282531.3 (MANE Select); coding-DNA position 119, A replaced by G.
Protein change: p.Gln40Arg; replaces glutamine 40 with arginine.
Molecular consequence: missense variant.
Genome position (GRCh38, 1-based): chr20:50,902,099, T>C on the plus strand (A>G on the coding strand, the complement: ADNP is on the minus strand). VCF-style: chr20-50902099-T-C. GRCh37 (hg19) VCF-style: chr20-49518636-T-C.
Other names: c.119A>G, p.Gln40Arg (NM_001282532.2, NM_001347511.2, NM_015339.5 and 1 more transcripts); short protein forms Q40R.
Identifiers: ClinVar variation 3666164 (VCV003666164.2).

ClinVar aggregate classification (germline): Uncertain significance (1 of 4 stars; one submission).

gnomAD v4.1: 21 of 1,610,088 alleles (0.0013%); highest among the groups gnomAD compares: Non-Finnish European, 0.0018%; no homozygotes.

Submission:

Labcorp Genetics (formerly Invitae), Labcorp
Classification: Uncertain significance. Last evaluated: 2025-12-13. Review status: criteria provided, single submitter. Criteria: Invitae Variant Classification Sherloc (09022015). Collection method: clinical testing. Allele origin: germline.
Comment: This sequence change replaces glutamine, which is neutral and polar, with arginine, which is basic and polar, at codon 40 of the ADNP protein (p.Gln40Arg). This variant is present in population databases (no rsID available, gnomAD 0.002%). This variant has not been reported in the literature in individuals affected with ADNP-related conditions. ClinVar contains an entry for this variant (Variation ID: 3666164). An algorithm developed to predict the effect of missense changes on protein structure and function (PolyPhen-2) suggests that this variant is likely to be tolerated. In summary, the available evidence is currently insufficient to determine the role of this variant in disease. Therefore, it has been classified as a Variant of Uncertain Significance.